The following is an entry in ClinVar:

ClinVar aggregate classification (germline): Likely benign. Review status: criteria provided, single submitter (1 of 4 stars). 2 submissions from 2 submitters: Likely benign (1). 1 of the submissions does not count toward it. Last evaluated 2025-12-10.

Conditions:
TOP3A-related disorder. Also called: TOP3A-related disorders; TOP3A-related condition.

Allele frequency attached by ClinVar (database versions not stated): TOPMed below 0.00001.
gnomAD v4.1: 7 of 1,614,138 alleles (0.00043%); highest among the groups gnomAD compares: Non-Finnish European, 0.00051%; no homozygotes.

Submissions (2):

Labcorp Genetics (formerly Invitae), Labcorp
Classification: Likely benign. Last evaluated: 2025-12-10. Review status: criteria provided, single submitter. Criteria: Invitae Variant Classification Sherloc (09022015). Collection method: clinical testing. Allele origin: germline.

PreventionGenetics, part of Exact Sciences
Classification: Likely benign for TOP3A-related condition. Last evaluated: 2021-05-26. Review status: no assertion criteria provided. Collection method: clinical testing. Allele origin: germline. Not counted in ClinVar's aggregate classification.
Comment: This variant is classified as likely benign based on ACMG/AMP sequence variant interpretation guidelines (Richards et al. 2015 PMID: 25741868, with internal and published modifications).

NM_004618.5(TOP3A):c.2064T>C (p.Ala688=)

Gene: TOP3A (DNA topoisomerase III alpha; minus strand). Cytogenetic location: 17p11.2.
Variant type: single nucleotide variant.
Coding change: c.2064T>C on transcript NM_004618.5 (MANE Select); coding-DNA position 2064, T replaced by C.
Protein change: p.Ala688=; no amino-acid change (alanine 688 retained).
Molecular consequence: synonymous variant.
Genome position (GRCh38, 1-based): chr17:18,280,616, A>G on the plus strand (T>C on the coding strand, the complement: TOP3A is on the minus strand). VCF-style: chr17-18280616-A-G. GRCh37 (hg19) VCF-style: chr17-18183930-A-G.
Other names: c.1779T>C, p.Ala593= (NM_001320759.2).
Identifiers: ClinVar variation 3029145 (VCV003029145.3), dbSNP rs767237973, ClinGen allele CA498240158.